The following is an entry in ClinVar:

ClinVar aggregate classification (germline): Likely pathogenic (1 of 4 stars; one submission).

Conditions:
Waardenburg syndrome type 1 (WS1). Also called: Waardenburg Syndrome Type I; WAARDENBURG SYNDROME WITH DYSTOPIA CANTHORUM. Identifiers: Orphanet 894, MedGen C1847800, MONDO:0008670, OMIM 193500.

Submission:

Women's Health and Genetics/Laboratory Corporation of America, LabCorp
Classification: Likely pathogenic for Waardenburg syndrome type 1. Last evaluated: 2026-06-02. Review status: criteria provided, single submitter. Criteria: LabCorp Variant Classification Summary - May 2015. Collection method: clinical testing. Allele origin: germline.
Comment: Variant summary: PAX3 c.321+1G>A is located in a canonical splice-site and is predicted to affect mRNA splicing resulting in a significantly altered protein due to either exon skipping, shortening, or inclusion of intronic material. Variants that disrupt the consensus splice site are a relatively common cause of aberrant splicing and loss of PAX3 function. Several computational tools predict a significant impact on normal splicing: Four predict the variant abolishes a canonical 5' splicing donor site. However, these predictions have yet to be confirmed by functional studies. The variant was absent in 244888 control chromosomes. c.321+1G>A has been observed in a father and his son affected with Waardenburg syndrome type 1 (example: Cesca_2018). These data indicate that the variant may be associated with disease. To our knowledge, no experimental evidence demonstrating an impact on protein function has been reported. The following publication has been ascertained in the context of this evaluation (PMID: 29287889). No submitters have cited clinical-significance assessments for this variant to ClinVar. Based on the evidence outlined above, the variant was classified as likely pathogenic.

Literature cited by the submitters: PubMed 29287889.

NM_181458.4(PAX3):c.321+1G>A

Gene: PAX3 (paired box 3; minus strand). Cytogenetic location: 2q36.1.
Variant type: single nucleotide variant.
Coding change: c.321+1G>A on transcript NM_181458.4 (MANE Select); the canonical splice donor site of the intron after coding-DNA position 321, G replaced by A.
Molecular consequence: splice donor variant.
Genome position (GRCh38, 1-based): chr2:222,296,977, C>T on the plus strand (G>A on the coding strand, the complement: PAX3 is on the minus strand). VCF-style: chr2-222296977-C-T. GRCh37 (hg19) VCF-style: chr2-223161696-C-T.
Other names: c.321+1G>A (NM_001127366.3, NM_181460.4, NM_181461.4 and 4 more transcripts).
Identifiers: ClinVar variation 4887572 (VCV004887572.1).
Genomic context (GRCh38, chr2:222,296,977, plus strand): 5'-GTCTTCCCCAACACAGGGGACCACAGTCTGGGAGCCAGGAGGGCAAGGCCCGCCCGCTCA[C>T]CTTGGGCTTGCTGCCGCCGATGGCACCAGGACGTATGGAGCCAGTCTCCTGGTACCTGCA-3'